The following is an entry in ClinVar:

ClinVar aggregate classification (germline): Uncertain significance (1 of 4 stars; one submission).

Conditions:
Joubert syndrome. Also called: Familial aplasia of the vermis; CEREBELLOPARENCHYMAL DISORDER IV; JOUBERT-BOLTSHAUSER SYNDROME. Identifiers: Orphanet 475, MedGen C5979921, MONDO:0018772.
Meckel-Gruber syndrome. Also called: Dysencephalia splachnocystica; DYSENCEPHALIA SPLANCHNOCYSTICA; GRUBER SYNDROME. Identifiers: Orphanet 564, MedGen C0265215, MONDO:0018921.

Allele frequency attached by ClinVar (database versions not stated): gnomAD exomes below 0.00001.
gnomAD v4.1: 3 of 1,614,186 alleles (0.00019%); highest among the groups gnomAD compares: Non-Finnish European, 0.000085%; no homozygotes.

Submission:

Labcorp Genetics (formerly Invitae), Labcorp
Classification: Uncertain significance for Joubert syndrome; Meckel-Gruber syndrome. Last evaluated: 2024-10-08. Review status: criteria provided, single submitter. Criteria: Invitae Variant Classification Sherloc (09022015). Collection method: clinical testing. Allele origin: germline.
Comment: This sequence change replaces serine, which is neutral and polar, with tyrosine, which is neutral and polar, at codon 616 of the TCTN2 protein (p.Ser616Tyr). This variant is present in population databases (no rsID available, gnomAD no frequency). This variant has not been reported in the literature in individuals affected with TCTN2-related conditions. ClinVar contains an entry for this variant (Variation ID: 1026047). Invitae Evidence Modeling of protein sequence and biophysical properties (such as structural, functional, and spatial information, amino acid conservation, physicochemical variation, residue mobility, and thermodynamic stability) indicates that this missense variant is expected to disrupt TCTN2 protein function with a positive predictive value of 80%. In summary, the available evidence is currently insufficient to determine the role of this variant in disease. Therefore, it has been classified as a Variant of Uncertain Significance.

NM_024809.5(TCTN2):c.1847C>A (p.Ser616Tyr)

Gene: TCTN2 (tectonic family member 2; plus strand). Cytogenetic location: 12q24.31.
Variant type: single nucleotide variant.
Coding change: c.1847C>A on transcript NM_024809.5 (MANE Select); coding-DNA position 1847, C replaced by A.
Protein change: p.Ser616Tyr; replaces serine 616 with tyrosine.
Molecular consequence: missense variant.
Genome position (GRCh38, 1-based): chr12:123,706,803, C>A. VCF-style: chr12-123706803-C-A. GRCh37 (hg19) VCF-style: chr12-124191350-C-A.
Other names: c.1844C>A, p.Ser615Tyr (NM_001143850.3); short protein forms S615Y, S616Y.
Identifiers: ClinVar variation 1026047 (VCV001026047.8), dbSNP rs1436566157, ClinGen allele CA387148716.